The following is an entry in ClinVar:

NM_001134407.3(GRIN2A):c.822G>A (p.Ser274=)

Gene: GRIN2A (glutamate ionotropic receptor NMDA type subunit 2A; minus strand). Cytogenetic location: 16p13.2.
Variant type: single nucleotide variant.
Coding change: c.822G>A on transcript NM_001134407.3 (MANE Select); coding-DNA position 822, G replaced by A.
Protein change: p.Ser274=; no amino-acid change (serine 274 retained).
Molecular consequence: synonymous variant.
Genome position (GRCh38, 1-based): chr16:9,938,144, C>T on the plus strand (G>A on the coding strand, the complement: GRIN2A is on the minus strand). VCF-style: chr16-9938144-C-T. GRCh37 (hg19) VCF-style: chr16-10032001-C-T.
Other names: c.822G>A, p.Ser274= (NM_000833.5, NM_001134408.2).
Identifiers: ClinVar variation 516105 (VCV000516105.9), dbSNP rs759344136, ClinGen allele CA7896892.

ClinVar aggregate classification (germline): Likely benign. Review status: criteria provided, multiple submitters, no conflicts (2 of 4 stars). 2 submissions from 2 submitters: Likely benign (2). Last evaluated 2023-08-10.

Conditions:
Landau-Kleffner syndrome (FESD). Also called: EPILEPSY, FOCAL, WITH SPEECH DISORDER AND WITH OR WITHOUT MENTAL RETARDATION; APHASIA, ACQUIRED, WITH EPILEPSY. Identifiers: Orphanet 1945, Orphanet 725, Orphanet 98818, MedGen C0282512, MONDO:0009509, OMIM 245570.

Allele frequency attached by ClinVar (database versions not stated): gnomAD 0.00001; ExAC 0.00002.

Submissions (2):

Labcorp Genetics (formerly Invitae), Labcorp
Classification: Likely benign for Landau-Kleffner syndrome. Last evaluated: 2023-08-10. Review status: criteria provided, single submitter. Criteria: Invitae Variant Classification Sherloc (09022015). Collection method: clinical testing. Allele origin: germline.

GeneDx
Classification: Likely benign. Last evaluated: 2017-02-20. Review status: criteria provided, single submitter. Criteria: GeneDx Variant Classification (06012015). Collection method: clinical testing. Allele origin: germline. Affected: yes.
Comment: This variant is considered likely benign or benign based on one or more of the following criteria: it is a conservative change, it occurs at a poorly conserved position in the protein, it is predicted to be benign by multiple in silico algorithms, and/or has population frequency not consistent with disease.